The following is an entry in ClinVar:

ClinVar aggregate classification (germline): Uncertain significance (1 of 4 stars; one submission).

Submission:

Labcorp Genetics (formerly Invitae), Labcorp
Classification: Uncertain significance. Last evaluated: 2022-11-01. Review status: criteria provided, single submitter. Criteria: Invitae Variant Classification Sherloc (09022015). Collection method: clinical testing. Allele origin: germline.
Comment: This variant has not been reported in the literature in individuals affected with C5-related conditions. This sequence change falls in intron 19 of the C5 gene. It does not directly change the encoded amino acid sequence of the C5 protein. It affects a nucleotide within the consensus splice site. This variant is not present in population databases (gnomAD no frequency). Variants that disrupt the consensus splice site are a relatively common cause of aberrant splicing (PMID: 17576681, 9536098). Algorithms developed to predict the effect of sequence changes on RNA splicing suggest that this variant is not likely to affect RNA splicing. In summary, the available evidence is currently insufficient to determine the role of this variant in disease. Therefore, it has been classified as a Variant of Uncertain Significance.

Literature cited by the submitters: PubMed 17576681; PubMed 9536098.

NM_001735.3(C5):c.2422+6C>G

Gene: C5 (complement C5; minus strand). Cytogenetic location: 9q33.2.
Variant type: single nucleotide variant.
Coding change: c.2422+6C>G on transcript NM_001735.3 (MANE Select); 6 bases into the intron after coding-DNA position 2422, C replaced by G.
Molecular consequence: intron variant.
Genome position (GRCh38, 1-based): chr9:121,006,898, G>C on the plus strand (C>G on the coding strand, the complement: C5 is on the minus strand). VCF-style: chr9-121006898-G-C. GRCh37 (hg19) VCF-style: chr9-123769176-G-C.
Other names: c.2440+6C>G (NM_001317163.2); c.2422+6C>G (NM_001317164.2).
Identifiers: ClinVar variation 1965579 (VCV001965579.5), dbSNP rs2540418844, ClinGen allele CA913142246.
Genomic context (GRCh38, chr9:121,006,898, plus strand): 5'-AACAAAGAATTACATCTTGCTAATCAAATCACTATTTAAATGCATATATCACTTAAACCT[G>C]CTTACCAGTGTTTGAAATGCCAACGCCTTGAATTTCCCAGGTGGTTAGAGAATCAGGTAG-3'